The following is an entry in ClinVar:

ClinVar aggregate classification (germline): Benign/Likely benign. Review status: criteria provided, multiple submitters, no conflicts (2 of 4 stars). 3 submissions from 3 submitters: Benign (1); Likely benign (2). Last evaluated 2024-03-28.

Conditions:
Hereditary cancer-predisposing syndrome. Also called: Tumor predisposition; Hereditary Cancer Syndrome; Hereditary neoplastic syndrome; Neoplastic Syndromes, Hereditary. Identifiers: Orphanet 140162, MedGen C0027672, MeSH D009386, MONDO:0015356.
Familial adenomatous polyposis 1 (FAP1). Also called: POLYPOSIS, ADENOMATOUS INTESTINAL; FAMILIAL ADENOMATOUS POLYPOSIS 1, ATTENUATED. Identifiers: MedGen C2713442, MONDO:0021056, OMIM 175100. Disease mechanism: loss of function.

Submissions (3):

Myriad Genetics, Inc.
Classification: Benign for Familial adenomatous polyposis 1. Last evaluated: 2024-03-28. Review status: criteria provided, single submitter. Criteria: Myriad Autosomal Dominant, Autosomal Recessive and X-Linked Classification Criteria (2023). Collection method: clinical testing. Allele origin: unknown.
Comment: This variant is considered benign. This variant is a silent/synonymous amino acid change and it is not expected to impact splicing.

Labcorp Genetics (formerly Invitae), Labcorp
Classification: Likely benign for Familial adenomatous polyposis 1. Last evaluated: 2020-08-11. Review status: criteria provided, single submitter. Criteria: Invitae Variant Classification Sherloc (09022015). Collection method: clinical testing. Allele origin: germline.

Ambry Genetics
Classification: Likely benign for Hereditary cancer-predisposing syndrome. Last evaluated: 2020-06-15. Review status: criteria provided, single submitter. Criteria: Ambry Variant Classification Scheme 2023. Collection method: clinical testing. Allele origin: germline.

NM_000038.6(APC):c.4992C>T (p.Ser1664=)

Gene: APC (APC regulator of Wnt signaling pathway; plus strand). Cytogenetic location: 5q22.2.
Variant type: single nucleotide variant.
Coding change: c.4992C>T on transcript NM_000038.6 (MANE Select); coding-DNA position 4992, C replaced by T.
Protein change: p.Ser1664=; no amino-acid change (serine 1664 retained).
Molecular consequence: synonymous variant.
Genome position (GRCh38, 1-based): chr5:112,840,586, C>T. VCF-style: chr5-112840586-C-T. GRCh37 (hg19) VCF-style: chr5-112176283-C-T.
Other names: c.4992C>T, p.Ser1664= (NM_001127510.3, NM_001354895.2); c.4938C>T, p.Ser1646= (NM_001127511.3); c.5046C>T, p.Ser1682= (NM_001354896.2); c.5022C>T, p.Ser1674= (NM_001354897.2); c.4917C>T, p.Ser1639= (NM_001354898.2); c.4908C>T, p.Ser1636= (NM_001354899.2); c.4869C>T, p.Ser1623= (NM_001354900.2); c.4815C>T, p.Ser1605= (NM_001354901.2); and 5 more.
Identifiers: ClinVar variation 70120 (VCV000070120.12), dbSNP rs138743276, ClinGen allele CA125167793.